The following is an entry in ClinVar:

NM_005154.5(USP8):c.1925A>C (p.Glu642Ala)

Gene: USP8 (ubiquitin specific peptidase 8; plus strand). Cytogenetic location: 15q21.2.
Variant type: single nucleotide variant.
Coding change: c.1925A>C on transcript NM_005154.5 (MANE Select); coding-DNA position 1925, A replaced by C.
Protein change: p.Glu642Ala; replaces glutamic acid 642 with alanine.
Molecular consequence: missense variant.
Genome position (GRCh38, 1-based): chr15:50,489,835, A>C. VCF-style: chr15-50489835-A-C. GRCh37 (hg19) VCF-style: chr15-50782032-A-C.
Other names: c.1925A>C, p.Glu642Ala (NM_001128610.3); c.1607A>C, p.Glu536Ala (NM_001283049.2); short protein forms E642A, E536A.
Identifiers: ClinVar variation 1480455 (VCV001480455.6), dbSNP rs2141316371, ClinGen allele CA392397740.

ClinVar aggregate classification (germline): Uncertain significance (1 of 4 stars; one submission).

Conditions:
Hereditary spastic paraplegia. Also called: Familial spastic paraparesis. Identifiers: Orphanet 685, MedGen C0037773, MONDO:0019064. Disease mechanism: loss of function.

Allele frequency attached by ClinVar (database versions not stated): gnomAD exomes 0.00001.
gnomAD v4.1: 8 of 1,574,478 alleles (0.00051%); highest among the groups gnomAD compares: Non-Finnish European, 0.00069%; no homozygotes.

Submission:

Labcorp Genetics (formerly Invitae), Labcorp
Classification: Uncertain significance for Hereditary spastic paraplegia. Last evaluated: 2021-11-24. Review status: criteria provided, single submitter. Criteria: Invitae Variant Classification Sherloc (09022015). Collection method: clinical testing. Allele origin: germline.
Comment: In summary, the available evidence is currently insufficient to determine the role of this variant in disease. Therefore, it has been classified as a Variant of Uncertain Significance. Algorithms developed to predict the effect of missense changes on protein structure and function are either unavailable or do not agree on the potential impact of this missense change (SIFT: "Deleterious"; PolyPhen-2: "Probably Damaging"; Align-GVGD: "Class C0"). This variant has not been reported in the literature in individuals affected with USP8-related conditions. This variant is not present in population databases (gnomAD no frequency). This sequence change replaces glutamic acid, which is acidic and polar, with alanine, which is neutral and non-polar, at codon 642 of the USP8 protein (p.Glu642Ala).